The following is an entry in ClinVar:

NM_032776.3(JMJD1C):c.860C>T (p.Pro287Leu)

Gene: JMJD1C (jumonji domain containing 1C; minus strand). Cytogenetic location: 10q21.3.
Variant type: single nucleotide variant.
Coding change: c.860C>T on transcript NM_032776.3 (MANE Select); coding-DNA position 860, C replaced by T.
Protein change: p.Pro287Leu; replaces proline 287 with leucine.
Molecular consequence: missense variant. On other transcripts: 5 prime UTR variant (1), non-coding transcript variant (1).
Genome position (GRCh38, 1-based): chr10:63,215,418, G>A on the plus strand (C>T on the coding strand, the complement: JMJD1C is on the minus strand). VCF-style: chr10-63215418-G-A. GRCh37 (hg19) VCF-style: chr10-64975178-G-A.
Other names: c.314C>T, p.Pro105Leu (NM_001282948.2, NM_001318154.2); c.-5C>T (NM_001318153.2); c.746C>T, p.Pro249Leu (NM_001322252.2); c.203C>T, p.Pro68Leu (NM_001322254.2, NM_001322258.2); short protein forms P105L, P249L, P287L, P68L.
Identifiers: ClinVar variation 4719088 (VCV004719088.1).

ClinVar aggregate classification (germline): Uncertain significance (1 of 4 stars; one submission).

Conditions:
Early Myoclonic Encephalopathy. Identifiers: MedGen C0270855.

gnomAD v4.1: 1 of 1,614,002 alleles (0.000062%); highest among the groups gnomAD compares: Non-Finnish European, 0.000085%; no homozygotes.

Submission:

Labcorp Genetics (formerly Invitae), Labcorp
Classification: Uncertain significance for Early Myoclonic Encephalopathy. Last evaluated: 2025-12-01. Review status: criteria provided, single submitter. Criteria: Invitae Variant Classification Sherloc (09022015). Collection method: clinical testing. Allele origin: germline.
Comment: This sequence change replaces proline, which is neutral and non-polar, with leucine, which is neutral and non-polar, at codon 287 of the JMJD1C protein (p.Pro287Leu). This variant is not present in population databases (gnomAD no frequency). This variant has not been reported in the literature in individuals affected with JMJD1C-related conditions. An algorithm developed to predict the effect of missense changes on protein structure and function (PolyPhen-2) suggests that this variant is likely to be disruptive. In summary, the available evidence is currently insufficient to determine the role of this variant in disease. Therefore, it has been classified as a Variant of Uncertain Significance.